The following is an entry in ClinVar:

ClinVar aggregate classification (germline): Likely benign (1 of 4 stars; one submission).

Submission:

GeneDx
Classification: Likely benign. Last evaluated: 2016-10-10. Review status: criteria provided, single submitter. Criteria: GeneDx Variant Classification (06012015). Collection method: clinical testing. Allele origin: germline. Affected: yes.
Comment: This variant is considered likely benign or benign based on one or more of the following criteria: it is a conservative change, it occurs at a poorly conserved position in the protein, it is predicted to be benign by multiple in silico algorithms, and/or has population frequency not consistent with disease.

NM_001148.6(ANK2):c.1386T>A (p.Ile462=)

Gene: ANK2 (ankyrin 2; plus strand). Cytogenetic location: 4q26.
Variant type: single nucleotide variant.
Coding change: c.1386T>A on transcript NM_001148.6 (MANE Select); coding-DNA position 1386, T replaced by A.
Protein change: p.Ile462=; no amino-acid change (isoleucine 462 retained).
Molecular consequence: synonymous variant. On other transcripts: intron variant (5).
Genome position (GRCh38, 1-based): chr4:113,258,411, T>A. VCF-style: chr4-113258411-T-A. GRCh37 (hg19) VCF-style: chr4-114179567-T-A.
Other names: c.1323T>A, p.Ile441= (NM_001127493.3, NM_001354239.2, NM_001354243.2 and 14 more transcripts); c.1386T>A, p.Ile462= (NM_001354225.2, NM_001354228.2, NM_001354232.2 and 8 more transcripts); c.1431T>A, p.Ile477= (NM_001354230.2, NM_001354231.2, NM_001354237.2 and 5 more transcripts); c.1299T>A, p.Ile433= (NM_001354249.2, NM_001354260.2, NM_001354264.2 and 13 more transcripts); c.1344T>A, p.Ile448= (NM_001354261.2, NM_001386147.1, NM_001386160.1); c.1374T>A, p.Ile458= (NM_001386148.2, NM_001386186.2); c.1437T>A, p.Ile479= (NM_001386174.1); c.1413T>A, p.Ile471= (NM_001386175.1); and 4 more.
Identifiers: ClinVar variation 389819 (VCV000389819.1), dbSNP rs956938799, ClinGen allele CA16604657.
Genomic context (GRCh38, chr4:113,258,411, plus strand): 5'-CCACTTGAACATTGTCCTCCTTCTGCTGCAGAACGGAGCCTCTCCAGATGTCACTAACAT[T>A]GTGAGTATGGCTTGGGTCAGAATAACCCCAGGGAGGAAGAGCGAGAGGAACAGAGATTGT-3'
Protein context (NP_001139.3, residues 452-472): QNGASPDVTN[Ile462=]RGETALHMAA